The following is an entry in ClinVar:

NM_004415.4(DSP):c.4895A>G (p.Asp1632Gly)

Gene: DSP (desmoplakin; plus strand). Cytogenetic location: 6p24.3.
Variant type: single nucleotide variant.
Coding change: c.4895A>G on transcript NM_004415.4 (MANE Select); coding-DNA position 4895, A replaced by G.
Protein change: p.Asp1632Gly; replaces aspartic acid 1632 with glycine.
Molecular consequence: missense variant. On other transcripts: intron variant (2).
Genome position (GRCh38, 1-based): chr6:7,581,085, A>G. VCF-style: chr6-7581085-A-G. GRCh37 (hg19) VCF-style: chr6-7581318-A-G.
Other names: c.4050+845A>G (NM_001319034.2); c.3582+1313A>G (NM_001008844.3); short protein forms D1632G.
Identifiers: ClinVar variation 3505498 (VCV003505498.1).

ClinVar aggregate classification (germline): Uncertain significance (1 of 4 stars; one submission).

Conditions:
Cardiovascular phenotype. Identifiers: MedGen CN230736.

gnomAD v4.1: 1 of 1,613,958 alleles (0.000062%); no homozygotes.

Submission:

Ambry Genetics
Classification: Uncertain significance for Cardiovascular phenotype. Last evaluated: 2024-09-30. Review status: criteria provided, single submitter. Criteria: Ambry Variant Classification Scheme 2023. Collection method: clinical testing. Allele origin: germline.
Comment: The p.D1632G variant (also known as c.4895A>G), located in coding exon 23 of the DSP gene, results from an A to G substitution at nucleotide position 4895. The aspartic acid at codon 1632 is replaced by glycine, an amino acid with similar properties. This amino acid position is conserved. In addition, the in silico prediction for this alteration is inconclusive. Based on the available evidence, the clinical significance of this variant remains unclear.